The following is an entry in ClinVar:

NM_006379.5(SEMA3C):c.330C>A (p.His110Gln)

Gene: SEMA3C (semaphorin 3C; minus strand). Cytogenetic location: 7q21.11.
Variant type: single nucleotide variant.
Coding change: c.330C>A on transcript NM_006379.5 (MANE Select); coding-DNA position 330, C replaced by A.
Protein change: p.His110Gln; replaces histidine 110 with glutamine.
Molecular consequence: missense variant.
Genome position (GRCh38, 1-based): chr7:80,818,416, G>T on the plus strand (C>A on the coding strand, the complement: SEMA3C is on the minus strand). VCF-style: chr7-80818416-G-T. GRCh37 (hg19) VCF-style: chr7-80447732-G-T.
Other names: c.384C>A, p.His128Gln (NM_001350120.2); c.156C>A, p.His52Gln (NM_001350121.2); short protein forms H110Q, H128Q, H52Q.
Identifiers: ClinVar variation 3351533 (VCV003351533.1).

ClinVar aggregate classification (germline): Uncertain significance (0 of 4 stars; one submission).

Conditions:
SEMA3C-related disorder. Also called: SEMA3C-related condition.

gnomAD v4.1: 9 of 1,612,286 alleles (0.00056%); highest among the groups gnomAD compares: African/African-American, 0.0067%; no homozygotes.

Submission:

PreventionGenetics, part of Exact Sciences
Classification: Uncertain significance for SEMA3C-related condition. Last evaluated: 2024-04-15. Review status: no assertion criteria provided. Collection method: clinical testing. Allele origin: germline.
Comment: The SEMA3C c.384C>A variant is predicted to result in the amino acid substitution p.His128Gln. To our knowledge, this variant has not been reported in the literature. This variant is reported in 0.0018% of alleles in individuals of European (Non-Finnish) descent in gnomAD. At this time, the clinical significance of this variant is uncertain due to the absence of conclusive functional and genetic evidence.